The following is an entry in ClinVar:

NM_206862.4(TACC2):c.740A>C (p.Gln247Pro)

Gene: TACC2 (transforming acidic coiled-coil containing protein 2; plus strand). Cytogenetic location: 10q26.13.
Variant type: single nucleotide variant.
Coding change: c.740A>C on transcript NM_206862.4 (MANE Select); coding-DNA position 740, A replaced by C.
Protein change: p.Gln247Pro; replaces glutamine 247 with proline.
Molecular consequence: missense variant. On other transcripts: intron variant (1).
Genome position (GRCh38, 1-based): chr10:122,083,240, A>C. VCF-style: chr10-122083240-A-C. GRCh37 (hg19) VCF-style: chr10-123842755-A-C.
Other names: c.740A>C, p.Gln247Pro (NM_001291876.2, NM_001291877.2); c.146+32690A>C (NM_206861.3); short protein forms Q247P.
Identifiers: ClinVar variation 718876 (VCV000718876.17), dbSNP rs151218566, ClinGen allele CA5722395.

ClinVar aggregate classification (germline): Likely benign. Review status: criteria provided, multiple submitters, no conflicts (2 of 4 stars). 3 submissions from 3 submitters: Likely benign (3). Last evaluated 2025-02-01.

Allele frequency attached by ClinVar (database versions not stated): 1000 Genomes Project 30x 0.00094; 1000 Genomes Project 0.00100; TOPMed 0.00214; gnomAD 0.00231 and 0.00239; ExAC 0.00261; ESP Exome Variant Server 0.00269; gnomAD exomes 0.00270.
gnomAD v4.1: 4,735 of 1,613,434 alleles (0.29%); highest among the groups gnomAD compares: Non-Finnish European, 0.34%; 8 homozygotes.

Submissions (3):

CeGaT Center for Human Genetics Tuebingen
Classification: Likely benign. Last evaluated: 2025-02-01. Review status: criteria provided, single submitter. Criteria: CeGaT Center For Human Genetics Tuebingen Variant Classification Criteria Version 2. Collection method: clinical testing. Allele origin: germline. Affected: yes. Observed: 2 variant alleles.
Comment: TACC2: BP4

Labcorp Genetics (formerly Invitae), Labcorp
Classification: Likely benign. Last evaluated: 2018-05-31. Review status: criteria provided, single submitter. Criteria: Invitae Variant Classification Sherloc (09022015). Collection method: clinical testing. Allele origin: germline.

Breakthrough Genomics
Classification: Likely benign. Review status: criteria provided, single submitter. Criteria: ACMG Guidelines, 2015. Collection method: not provided. Allele origin: germline. Inheritance: Unknown mechanism. Affected: yes.